The following is an entry in ClinVar:

ClinVar aggregate classification (germline): Uncertain significance. Review status: criteria provided, multiple submitters, no conflicts (2 of 4 stars). 2 submissions from 2 submitters: Uncertain significance (2). Last evaluated 2024-06-10.

Conditions:
Inborn genetic diseases. Identifiers: MedGen C0950123, MeSH D030342.

Allele frequency attached by ClinVar (database versions not stated): ExAC 0.00003; gnomAD 0.00009; gnomAD exomes 0.00009; TOPMed 0.00009.
gnomAD v4.1: 141 of 1,611,956 alleles (0.0087%); highest among the groups gnomAD compares: Middle Eastern, 0.12%; no homozygotes.

Submissions (2):

Ambry Genetics
Classification: Uncertain significance for Inborn genetic diseases. Last evaluated: 2024-06-10. Review status: criteria provided, single submitter. Criteria: Ambry Variant Classification Scheme 2023. Collection method: clinical testing. Allele origin: germline.

Labcorp Genetics (formerly Invitae), Labcorp
Classification: Uncertain significance. Last evaluated: 2022-08-27. Review status: criteria provided, single submitter. Criteria: Invitae Variant Classification Sherloc (09022015). Collection method: clinical testing. Allele origin: germline.
Comment: This variant is present in population databases (rs200916228, gnomAD 0.006%). This variant has not been reported in the literature in individuals affected with KRT5-related conditions. Advanced modeling of protein sequence and biophysical properties (such as structural, functional, and spatial information, amino acid conservation, physicochemical variation, residue mobility, and thermodynamic stability) performed at Invitae indicates that this missense variant is not expected to disrupt KRT5 protein function. In summary, the available evidence is currently insufficient to determine the role of this variant in disease. Therefore, it has been classified as a Variant of Uncertain Significance. This sequence change replaces serine, which is neutral and polar, with asparagine, which is neutral and polar, at codon 536 of the KRT5 protein (p.Ser536Asn).

NM_000424.4(KRT5):c.1607G>A (p.Ser536Asn)

Gene: KRT5 (keratin 5; minus strand). Cytogenetic location: 12q13.13.
Variant type: single nucleotide variant.
Coding change: c.1607G>A on transcript NM_000424.4 (MANE Select); coding-DNA position 1607, G replaced by A.
Protein change: p.Ser536Asn; replaces serine 536 with asparagine.
Molecular consequence: missense variant.
Genome position (GRCh38, 1-based): chr12:52,515,108, C>T on the plus strand (G>A on the coding strand, the complement: KRT5 is on the minus strand). VCF-style: chr12-52515108-C-T. GRCh37 (hg19) VCF-style: chr12-52908892-C-T.
Other names: c.1607G>A (NM_000424.3); short protein forms S536N.
Identifiers: ClinVar variation 2170224 (VCV002170224.5), dbSNP rs200916228, ClinGen allele CA6582444.
Genomic context (GRCh38, chr12:52,515,108, plus strand): 5'-CTTGCACTGAAGCCAGAGCCCCCCACACTGAGCCCACCACCTAGGCCGACACCCCCACTG[C>T]TGCTGGAGTAGTAGCTTCCACTGCTACCTCCGGCAAGACCTCCACCGAGGCCGCCGCCAA-3'
Protein context (NP_000415.2, residues 526-546): GGSSGSYYSS[Ser536Asn]SGGVGLGGGL